The following is an entry in ClinVar:

ClinVar aggregate classification (germline): Uncertain significance (1 of 4 stars; one submission).

Conditions:
Ehlers-Danlos syndrome due to tenascin-X deficiency (EDSCLL1). Also called: TNX DEFICIENCY; EDS DUE TO TNX DEFICIENCY; EHLERS-DANLOS SYNDROME, CLASSIC-LIKE; Ehlers-Danlos syndrome, classic-like, 1; TNXB-Related Classical-Like Ehlers-Danlos Syndrome. Identifiers: Orphanet 230839, MedGen C1848029, MONDO:0011670, OMIM 606408.

gnomAD v4.1: 2 of 1,566,706 alleles (0.00013%); highest among the groups gnomAD compares: Non-Finnish European, 0.000086%; no homozygotes.

Submission:

Myriad Genetics, Inc.
Classification: Uncertain significance for Ehlers-Danlos syndrome due to tenascin-X deficiency. Last evaluated: 2026-08-04. Review status: criteria provided, single submitter. Criteria: Myriad Autosomal Dominant, Autosomal Recessive and X-Linked Classification Criteria (2023). Collection method: clinical testing. Allele origin: unknown.
Comment: NM_019105.6(TNXB):c.2779+2T>A is a variant in a canonical splice site classified as a variant of uncertain significance in the context of classical-like Ehlers-Danlos syndrome, TNXB-related. c.2779+2T>A has not been observed in cases with relevant disease. Relevant functional assessments of this variant are not available in the literature. c.2779+2T>A has not been observed in referenced population frequency databases. In summary, there is insufficient evidence to classify NM_019105.6(TNXB):c.2779+2T>A as pathogenic or benign. Please note: this variant was assessed in the context of healthy population screening.

NM_001365276.2(TNXB):c.2779+2T>A

Gene: TNXB (tenascin XB; minus strand). Cytogenetic location: 6p21.33.
Variant type: single nucleotide variant.
Coding change: c.2779+2T>A on transcript NM_001365276.2 (MANE Select); the canonical splice donor site of the intron after coding-DNA position 2779, T replaced by A.
Molecular consequence: splice donor variant.
Genome position (GRCh38, 1-based): chr6:32,088,783, A>T on the plus strand (T>A on the coding strand, the complement: TNXB is on the minus strand). VCF-style: chr6-32088783-A-T. GRCh37 (hg19) VCF-style: chr6-32056560-A-T.
Other names: c.2779+2T>A (NM_019105.8, NM_001428335.1).
Identifiers: ClinVar variation 5004050 (VCV005004050.1).
Genomic context (GRCh38, chr6:32,088,783, plus strand): 5'-CTGAGGAGGAGGATCCAAGGCTGGGAAACCAGGGCCCTTCCCTAACCTCTGGCCAGCCAT[A>T]CCTGTGTTGGCCCTGACAGAAGCTGGGTAGCTGACTGCCCGGCCCCGCTCCGCTGTGACA-3'